The following is an entry in ClinVar:

NM_000091.5(COL4A3):c.4652G>T (p.Cys1551Phe)

Genes: COL4A3 (collagen type IV alpha 3 chain; plus strand), MFF-DT (MFF divergent transcript; minus strand). Cytogenetic location: 2q36.3.
Variant type: single nucleotide variant.
Coding change: c.4652G>T on transcript NM_000091.5 (MANE Select); coding-DNA position 4652, G replaced by T.
Protein change: p.Cys1551Phe; replaces cysteine 1551 with phenylalanine.
Molecular consequence: missense variant.
Genome position (GRCh38, 1-based): chr2:227,309,215, G>T. VCF-style: chr2-227309215-G-T. GRCh37 (hg19) VCF-style: chr2-228173931-G-T.
Other names: short protein forms C1551F.
Identifiers: ClinVar variation 2630399 (VCV002630399.1), dbSNP rs1043339868, ClinGen allele CA66621364.

ClinVar aggregate classification (germline): Uncertain significance (1 of 4 stars; one submission).

Conditions:
COL4A3-related disorder. Also called: COL4A3-related condition; COL4A3-Related Disorders.

Submission:

PreventionGenetics, part of Exact Sciences
Classification: Uncertain significance for COL4A3-related condition. Last evaluated: 2023-03-03. Review status: criteria provided, single submitter. Criteria: ACMG Guidelines, 2015. Collection method: clinical testing. Allele origin: germline.
Comment: The COL4A3 c.4652G>T variant is predicted to result in the amino acid substitution p.Cys1551Phe. To our knowledge, this variant has not been reported in the literature or in a large population database, indicating this variant is rare. At this time, the clinical significance of this variant is uncertain due to the absence of conclusive functional and genetic evidence.